The following is an entry in ClinVar:

ClinVar aggregate classification (germline): Uncertain significance (1 of 4 stars; one submission).

Conditions:
Anterior segment dysgenesis. Also called: Ocular anterior segment dysgenesis. Identifiers: Orphanet 88632, MedGen C1862839, MONDO:0019503, HP:0007700.
Congenital primary aphakia. Also called: Anterior segment dysgenesis 2, multiple subtypes; ANTERIOR SEGMENT DYSGENESIS 2. Identifiers: Orphanet 83461, MedGen C1853230, MONDO:0012456, OMIM 610256.

Submission:

Labcorp Genetics (formerly Invitae), Labcorp
Classification: Uncertain significance for Anterior segment dysgenesis; Congenital primary aphakia. Last evaluated: 2025-10-19. Review status: criteria provided, single submitter. Criteria: Invitae Variant Classification Sherloc (09022015). Collection method: clinical testing. Allele origin: germline.
Comment: This sequence change replaces valine, which is neutral and non-polar, with leucine, which is neutral and non-polar, at codon 132 of the FOXE3 protein (p.Val132Leu). This variant is not present in population databases (gnomAD no frequency). This variant has not been reported in the literature in individuals affected with FOXE3-related conditions. Invitae Evidence Modeling of protein sequence and biophysical properties (such as structural, functional, and spatial information, amino acid conservation, physicochemical variation, residue mobility, and thermodynamic stability) indicates that this missense variant is not expected to disrupt FOXE3 protein function with a negative predictive value of 80%. In summary, the available evidence is currently insufficient to determine the role of this variant in disease. Therefore, it has been classified as a Variant of Uncertain Significance.

NM_012186.3(FOXE3):c.394G>T (p.Val132Leu)

Genes: FOXE3 (forkhead box E3; plus strand), LINC01389 (long independently transcribed non-coding RNA 1389; minus strand). Cytogenetic location: 1p33.
Variant type: single nucleotide variant.
Coding change: c.394G>T on transcript NM_012186.3 (MANE Select); coding-DNA position 394, G replaced by T.
Protein change: p.Val132Leu; replaces valine 132 with leucine.
Molecular consequence: missense variant.
Genome position (GRCh38, 1-based): chr1:47,416,709, G>T. VCF-style: chr1-47416709-G-T. GRCh37 (hg19) VCF-style: chr1-47882381-G-T.
Other names: short protein forms V132L.
Identifiers: ClinVar variation 4792738 (VCV004792738.1).